The following is an entry in ClinVar:

NM_001365999.1(SZT2):c.256C>T (p.Arg86Trp)

Gene: SZT2 (SZT2 subunit of KICSTOR complex; plus strand). Cytogenetic location: 1p34.2.
Variant type: single nucleotide variant.
Coding change: c.256C>T on transcript NM_001365999.1 (MANE Select); coding-DNA position 256, C replaced by T.
Protein change: p.Arg86Trp; replaces arginine 86 with tryptophan.
Molecular consequence: missense variant.
Genome position (GRCh38, 1-based): chr1:43,403,703, C>T. VCF-style: chr1-43403703-C-T. GRCh37 (hg19) VCF-style: chr1-43869374-C-T.
Other names: c.256C>T, p.Arg86Trp (NM_015284.4); short protein forms R86W.
Identifiers: ClinVar variation 1390254 (VCV001390254.5), dbSNP rs766592403, ClinGen allele CA808118.

ClinVar aggregate classification (germline): Uncertain significance (1 of 4 stars; one submission).

Allele frequency attached by ClinVar (database versions not stated): gnomAD 0.00001; TOPMed 0.00001; ExAC 0.00003; gnomAD exomes 0.00003.

Submission:

Labcorp Genetics (formerly Invitae), Labcorp
Classification: Uncertain significance. Last evaluated: 2022-08-16. Review status: criteria provided, single submitter. Criteria: Invitae Variant Classification Sherloc (09022015). Collection method: clinical testing. Allele origin: germline.
Comment: This sequence change replaces arginine, which is basic and polar, with tryptophan, which is neutral and slightly polar, at codon 86 of the SZT2 protein (p.Arg86Trp). This variant is present in population databases (rs766592403, gnomAD 0.03%). This variant has not been reported in the literature in individuals affected with SZT2-related conditions. ClinVar contains an entry for this variant (Variation ID: 1390254). Algorithms developed to predict the effect of missense changes on protein structure and function are either unavailable or do not agree on the potential impact of this missense change (SIFT: "Deleterious"; PolyPhen-2: "Probably Damaging"; Align-GVGD: "Class C0"). In summary, the available evidence is currently insufficient to determine the role of this variant in disease. Therefore, it has been classified as a Variant of Uncertain Significance.